The following is an entry in ClinVar:

ClinVar aggregate classification (germline): Uncertain significance (1 of 4 stars; one submission).

Conditions:
Aortic aneurysm, familial thoracic 7 (AAT7). Also called: AORTIC DISSECTION, FAMILIAL, WITH OR WITHOUT AORTIC ANEURYSM. Identifiers: MedGen C3151077, MONDO:0013418, OMIM 613780.

Submission:

Institute of Human Genetics, University of Leipzig Medical Center
Classification: Uncertain significance for Aortic aneurysm, familial thoracic 7. Last evaluated: 2022-10-13. Review status: criteria provided, single submitter. Criteria: ACMG Guidelines, 2015. Collection method: clinical testing. Allele origin: unknown. Inheritance: Autosomal dominant inheritance. Affected: yes.
Comment: Criteria applied: PM2,PP2,PP3

NM_053025.4(MYLK):c.3712C>T (p.Pro1238Ser)

Gene: MYLK (myosin light chain kinase; minus strand). Cytogenetic location: 3q21.1.
Variant type: single nucleotide variant.
Coding change: c.3712C>T on transcript NM_053025.4 (MANE Select); coding-DNA position 3712, C replaced by T.
Protein change: p.Pro1238Ser; replaces proline 1238 with serine.
Molecular consequence: missense variant.
Genome position (GRCh38, 1-based): chr3:123,666,338, G>A on the plus strand (C>T on the coding strand, the complement: MYLK is on the minus strand). VCF-style: chr3-123666338-G-A. GRCh37 (hg19) VCF-style: chr3-123385185-G-A.
Other names: c.3184C>T, p.Pro1062Ser (NM_001321309.2); c.3505C>T, p.Pro1169Ser (NM_053026.4, NM_053028.4); c.3712C>T, p.Pro1238Ser (NM_053027.4); short protein forms P1062S, P1169S, P1238S.
Identifiers: ClinVar variation 1712336 (VCV001712336.3), dbSNP rs2473675122, ClinGen allele CA354230698.